The following is an entry in ClinVar:

ClinVar aggregate classification (germline): Uncertain significance (1 of 4 stars; one submission).

Allele frequency attached by ClinVar (database versions not stated): gnomAD exomes 0.00001; TOPMed 0.00002; gnomAD 0.00003.
gnomAD v4.1: 21 of 1,613,638 alleles (0.0013%); highest among the groups gnomAD compares: Admixed American, 0.0033%; no homozygotes.

Submission:

Labcorp Genetics (formerly Invitae), Labcorp
Classification: Uncertain significance. Last evaluated: 2024-09-27. Review status: criteria provided, single submitter. Criteria: Invitae Variant Classification Sherloc (09022015). Collection method: clinical testing. Allele origin: germline.
Comment: This sequence change replaces asparagine, which is neutral and polar, with serine, which is neutral and polar, at codon 244 of the ROBO1 protein (p.Asn244Ser). This variant is present in population databases (no rsID available, gnomAD 0.007%). This variant has not been reported in the literature in individuals affected with ROBO1-related conditions. Invitae Evidence Modeling of protein sequence and biophysical properties (such as structural, functional, and spatial information, amino acid conservation, physicochemical variation, residue mobility, and thermodynamic stability) indicates that this missense variant is not expected to disrupt ROBO1 protein function with a negative predictive value of 95%. In summary, the available evidence is currently insufficient to determine the role of this variant in disease. Therefore, it has been classified as a Variant of Uncertain Significance.

NM_002941.4(ROBO1):c.731A>G (p.Asn244Ser)

Gene: ROBO1 (roundabout guidance receptor 1; minus strand). Cytogenetic location: 3p12.3.
Variant type: single nucleotide variant.
Coding change: c.731A>G on transcript NM_002941.4 (MANE Select); coding-DNA position 731, A replaced by G.
Protein change: p.Asn244Ser; replaces asparagine 244 with serine.
Molecular consequence: missense variant.
Genome position (GRCh38, 1-based): chr3:78,717,810, T>C on the plus strand (A>G on the coding strand, the complement: ROBO1 is on the minus strand). VCF-style: chr3-78717810-T-C. GRCh37 (hg19) VCF-style: chr3-78766960-T-C.
Other names: c.614A>G, p.Asn205Ser (NM_001145844.1, NM_001145845.2, NM_133631.4); short protein forms N244S, N205S.
Identifiers: ClinVar variation 2852817 (VCV002852817.3), dbSNP rs1037350203, ClinGen allele CA77549921.